The following is an entry in ClinVar:

ClinVar aggregate classification (germline): Uncertain significance (1 of 4 stars; one submission).

Submission:

GeneDx
Classification: Uncertain significance. Last evaluated: 2019-09-11. Review status: criteria provided, single submitter. Criteria: GeneDx Variant Classification Process June 2021. Collection method: clinical testing. Allele origin: germline. Affected: yes.
Comment: Not observed in large population cohorts (Lek et al., 2016); In-frame insertion in a repetitive region with no known function; Has not been previously published as pathogenic or benign to our knowledge

NM_006015.6(ARID1A):c.375_380dup (p.Gly126_Gly127dup)

Gene: ARID1A (AT-rich interaction domain 1A; plus strand). Cytogenetic location: 1p36.11.
Variant type: Duplication.
Coding change: c.375_380dup on transcript NM_006015.6 (MANE Select); coding-DNA positions 375 to 380, 6 bases duplicated (TGGCGG; older notation c.375_380dupTGGCGG).
Protein change: p.Gly126_Gly127dup.
Molecular consequence: inframe insertion.
Genome position (GRCh38, 1-based): chr1:26,696,778-26,696,783, TGGCGG duplicated; duplicating any 6 consecutive bases within chr1:26,696,773-26,696,783 gives the same sequence; the c. name uses the placement nearest the transcript's 3' end. VCF-style (leftmost placement, unchanged base first): chr1-26696772-C-CGGCGGT. GRCh37 (hg19) VCF-style: chr1-27023263-C-CGGCGGT.
Other names: c.375_380dup, p.Gly126_Gly127dup (NM_139135.4).
Identifiers: ClinVar variation 1312148 (VCV001312148.2), dbSNP rs1372477261, ClinGen allele CA734490745.
Genomic context (GRCh38, chr1:26,696,772, plus strand): 5'-GAACGGGAACGCGGGCCCTAGGCCCGCCCTGAACAATAACCTCACGGAGCCGCCCGGCGG[C>CGGCGGT]GGCGGTGGCGGCAGCAGCGATGGGGTGGGGGCGCCTCCTCACTCAGCCGCGGCCGCCTTG-3'